The following is an entry in ClinVar:

NM_001111.5(ADAR):c.1159G>A (p.Ala387Thr)

Gene: ADAR (adenosine deaminase RNA specific; minus strand). Cytogenetic location: 1q21.3.
Variant type: single nucleotide variant.
Coding change: c.1159G>A on transcript NM_001111.5 (MANE Select); coding-DNA position 1159, G replaced by A.
Protein change: p.Ala387Thr; replaces alanine 387 with threonine.
Molecular consequence: missense variant.
Genome position (GRCh38, 1-based): chr1:154,601,483, C>T on the plus strand (G>A on the coding strand, the complement: ADAR is on the minus strand). VCF-style: chr1-154601483-C-T. GRCh37 (hg19) VCF-style: chr1-154573959-C-T.
Other names: c.1159G>A (NM_001111.4); c.274G>A, p.Ala92Thr (NM_001025107.3, NM_001193495.2, NM_001365046.1 and 3 more transcripts); c.1186G>A, p.Ala396Thr (NM_001365045.1); c.1159G>A, p.Ala387Thr (NM_015840.4, NM_015841.4); short protein forms A387T, A396T, A92T.
Identifiers: ClinVar variation 3753848 (VCV003753848.11).

ClinVar aggregate classification (germline): Conflicting classifications of pathogenicity. Review status: criteria provided, conflicting classifications (1 of 4 stars). 3 submissions from 3 submitters: Uncertain significance (2); Likely benign (1). Last evaluated 2025-12-16.

Conditions:
Inborn genetic diseases. Identifiers: MedGen C0950123, MeSH D030342.
Symmetrical dyschromatosis of extremities (DSH). Also called: Dyschromatosis symmetrica hereditaria; DYSCHROMATOSIS SYMMETRICA HEREDITARIA 1; RETICULATE ACROPIGMENTATION OF DOHI; SYMMETRIC DYSCHROMATOSIS OF THE EXTREMITIES. Identifiers: Orphanet 41, MedGen C0406775, MONDO:0007483, OMIM 127400.
Aicardi-Goutieres syndrome 6 (AGS6). Identifiers: Orphanet 51, MedGen C3539013, MONDO:0014007, OMIM 615010.

gnomAD v4.1: 15 of 1,614,012 alleles (0.00093%); highest among the groups gnomAD compares: Non-Finnish European, 0.0011%; no homozygotes.

Submissions (3):

Labcorp Genetics (formerly Invitae), Labcorp
Classification: Uncertain significance for Aicardi-Goutieres syndrome 6; Symmetrical dyschromatosis of extremities. Last evaluated: 2025-12-16. Review status: criteria provided, single submitter. Criteria: Invitae Variant Classification Sherloc (09022015). Collection method: clinical testing. Allele origin: germline.
Comment: This sequence change replaces alanine, which is neutral and non-polar, with threonine, which is neutral and polar, at codon 387 of the ADAR protein (p.Ala387Thr). This variant is present in population databases (rs767100926, gnomAD 0.004%). This variant has not been reported in the literature in individuals affected with ADAR-related conditions. ClinVar contains an entry for this variant (Variation ID: 3753848). Invitae Evidence Modeling of protein sequence and biophysical properties (such as structural, functional, and spatial information, amino acid conservation, physicochemical variation, residue mobility, and thermodynamic stability) indicates that this missense variant is not expected to disrupt ADAR protein function with a negative predictive value of 80%. In summary, the available evidence is currently insufficient to determine the role of this variant in disease. Therefore, it has been classified as a Variant of Uncertain Significance.

Ambry Genetics
Classification: Likely benign for Inborn genetic diseases. Last evaluated: 2025-08-29. Review status: criteria provided, single submitter. Criteria: Ambry Variant Classification Scheme 2023. Collection method: clinical testing. Allele origin: germline.

CeGaT Center for Human Genetics Tuebingen
Classification: Uncertain significance. Last evaluated: 2025-06-01. Review status: criteria provided, single submitter. Criteria: CeGaT Center For Human Genetics Tuebingen Variant Classification Criteria Version 2. Collection method: clinical testing. Allele origin: germline. Affected: yes. Observed: 1 variant allele.
Comment: ADAR: PM2, BP4